The following is an entry in ClinVar:

NM_000760.4(CSF3R):c.1378G>A (p.Val460Met)

Gene: CSF3R (colony stimulating factor 3 receptor; minus strand). Cytogenetic location: 1p34.3.
Variant type: single nucleotide variant.
Coding change: c.1378G>A on transcript NM_000760.4 (MANE Select); coding-DNA position 1378, G replaced by A.
Protein change: p.Val460Met; replaces valine 460 with methionine.
Molecular consequence: missense variant.
Genome position (GRCh38, 1-based): chr1:36,469,748, C>T on the plus strand (G>A on the coding strand, the complement: CSF3R is on the minus strand). VCF-style: chr1-36469748-C-T. GRCh37 (hg19) VCF-style: chr1-36935349-C-T.
Other names: c.1378G>A, p.Val460Met (NM_156039.3, NM_172313.3); short protein forms V460M.
Identifiers: ClinVar variation 1507441 (VCV001507441.8), dbSNP rs758904378, ClinGen allele CA769208.
Genomic context (GRCh38, chr1:36,469,748, plus strand): 5'-CCATCCTCCAGGTCTTGTTGCTATTGCTCGCGCTGGGGGGGCCCAGGCCCCACTCAATCA[C>T]ATAGCCCTGAGGCCATGGATTGGGGGGCTCCCAGCCTACCCAGAGGCTGTGAGGGTCTCG-3'
Protein context (NP_000751.1, residues 450-470): EPPNPWPQGY[Val460Met]IEWGLGPPSA

ClinVar aggregate classification (germline): Uncertain significance (1 of 4 stars; one submission).

Conditions:
Autosomal recessive severe congenital neutropenia due to CSF3R deficiency. Also called: Neutropenia, severe congenital, 7, autosomal recessive. Identifiers: Orphanet 420702, MedGen C4310764, MONDO:0014865, OMIM 617014.

Allele frequency attached by ClinVar (database versions not stated): gnomAD 0.00001; gnomAD exomes 0.00002 and 0.00010; TOPMed 0.00005; ExAC 0.00010.
gnomAD v4.1: 28 of 1,614,086 alleles (0.0017%); highest among the groups gnomAD compares: Admixed American, 0.045%; no homozygotes.

Submission:

Labcorp Genetics (formerly Invitae), Labcorp
Classification: Uncertain significance for Autosomal recessive severe congenital neutropenia due to CSF3R deficiency. Last evaluated: 2025-05-04. Review status: criteria provided, single submitter. Criteria: Invitae Variant Classification Sherloc (09022015). Collection method: clinical testing. Allele origin: germline.
Comment: This sequence change replaces valine, which is neutral and non-polar, with methionine, which is neutral and non-polar, at codon 460 of the CSF3R protein (p.Val460Met). This variant is present in population databases (rs758904378, gnomAD 0.07%). This variant has not been reported in the literature in individuals affected with CSF3R-related conditions. ClinVar contains an entry for this variant (Variation ID: 1507441). Invitae Evidence Modeling of protein sequence and biophysical properties (such as structural, functional, and spatial information, amino acid conservation, physicochemical variation, residue mobility, and thermodynamic stability) indicates that this missense variant is not expected to disrupt CSF3R protein function with a negative predictive value of 80%. In summary, the available evidence is currently insufficient to determine the role of this variant in disease. Therefore, it has been classified as a Variant of Uncertain Significance.